The following is an entry in ClinVar:

NM_032043.3(BRIP1):c.2370A>G (p.Lys790=)

Gene: BRIP1 (BRCA1 interacting DNA helicase 1; minus strand). Cytogenetic location: 17q23.2.
Variant type: single nucleotide variant.
Coding change: c.2370A>G on transcript NM_032043.3 (MANE Select); coding-DNA position 2370, A replaced by G.
Protein change: p.Lys790=; no amino-acid change (lysine 790 retained).
Molecular consequence: synonymous variant.
Genome position (GRCh38, 1-based): chr17:61,743,022, T>C on the plus strand (A>G on the coding strand, the complement: BRIP1 is on the minus strand). VCF-style: chr17-61743022-T-C. GRCh37 (hg19) VCF-style: chr17-59820383-T-C.
Identifiers: ClinVar variation 496482 (VCV000496482.15), dbSNP rs372122365, ClinGen allele CA292268890.

ClinVar aggregate classification (germline): Benign/Likely benign. Review status: criteria provided, multiple submitters, no conflicts (2 of 4 stars). 4 submissions from 4 submitters: Benign (1); Likely benign (3). Last evaluated 2025-05-01.

Conditions:
Familial cancer of breast. Also called: hereditary breast carcinoma; BREAST CANCER, FAMILIAL; Hereditary breast cancer. Identifiers: Orphanet 227535, MedGen C0346153, MONDO:0016419, OMIM 114480. Disease mechanism: loss of function.
Fanconi anemia complementation group J. Also called: BRIP1-Related Fanconi Anemia. Identifiers: Orphanet 84, MedGen C1836860, MONDO:0012187, OMIM 609054.
Hereditary cancer-predisposing syndrome. Also called: Tumor predisposition; Hereditary neoplastic syndrome; Neoplastic Syndromes, Hereditary; Hereditary Cancer Syndrome. Identifiers: Orphanet 140162, MedGen C0027672, MeSH D009386, MONDO:0015356.

Allele frequency attached by ClinVar (database versions not stated): gnomAD 0.00001; TOPMed 0.00001; ESP Exome Variant Server 0.00008.

Submissions (4):

Labcorp Genetics (formerly Invitae), Labcorp
Classification: Likely benign for Familial cancer of breast; Fanconi anemia complementation group J. Last evaluated: 2025-05-01. Review status: criteria provided, single submitter. Criteria: Invitae Variant Classification Sherloc (09022015). Collection method: clinical testing. Allele origin: germline.

Myriad Genetics, Inc.
Classification: Benign for Familial cancer of breast. Last evaluated: 2024-09-04. Review status: criteria provided, single submitter. Criteria: Myriad Autosomal Dominant, Autosomal Recessive and X-Linked Classification Criteria (2023). Collection method: clinical testing. Allele origin: unknown.
Comment: This variant is considered benign. This variant is a silent/synonymous amino acid change and it is not expected to impact splicing.

Women's Health and Genetics/Laboratory Corporation of America, LabCorp
Classification: Likely benign. Last evaluated: 2019-08-28. Review status: criteria provided, single submitter. Criteria: LabCorp Variant Classification Summary - May 2015. Collection method: clinical testing. Allele origin: germline.

Ambry Genetics
Classification: Likely benign for Hereditary cancer-predisposing syndrome. Last evaluated: 2018-08-28. Review status: criteria provided, single submitter. Criteria: Ambry Variant Classification Scheme 2023. Collection method: clinical testing. Allele origin: germline.